The following is an entry in ClinVar:

ClinVar aggregate classification (germline): Benign. Review status: criteria provided, multiple submitters, no conflicts (2 of 4 stars). 6 submissions from 6 submitters: Benign (5). 1 of the submissions does not count toward it. Last evaluated 2026-02-01.

Conditions:
Joubert syndrome 1 (JBTS1). Also called: Cerebellooculorenal syndrome 1; CEREBELLOPARENCHYMAL DISORDER IV. Identifiers: MedGen C4551568, MONDO:0008944, OMIM 213300.
Joubert syndrome. Also called: Familial aplasia of the vermis; JOUBERT-BOLTSHAUSER SYNDROME. Identifiers: Orphanet 475, MedGen C5979921, MONDO:0018772.

Allele frequency attached by ClinVar (database versions not stated): ESP Exome Variant Server 0.00799; gnomAD 0.01056 and 0.01135; TOPMed 0.01187; gnomAD exomes 0.00207; ExAC 0.00371; 1000 Genomes Project 30x 0.01452; 1000 Genomes Project 0.01278.
gnomAD v4.1: 2,961 of 1,586,182 alleles (0.19%); highest among the groups gnomAD compares: African/African-American, 3.5%; 42 homozygotes.

Submissions (6):

Labcorp Genetics (formerly Invitae), Labcorp
Classification: Benign for Joubert syndrome. Last evaluated: 2026-02-01. Review status: criteria provided, single submitter. Criteria: Invitae Variant Classification Sherloc (09022015). Collection method: clinical testing. Allele origin: germline.

Illumina Laboratory Services, Illumina
Classification: Benign for Joubert syndrome 1. Last evaluated: 2018-01-13. Review status: criteria provided, single submitter. Criteria: ICSL Variant Classification Criteria 13 December 2019. Collection method: clinical testing. Allele origin: germline.
Comment: This variant was observed in the ICSL laboratory as part of a predisposition screen in an ostensibly healthy population. It had not been previously curated by ICSL or reported in the Human Gene Mutation Database (HGMD: prior to June 1st, 2018), and was therefore a candidate for classification through an automated scoring system. Utilizing variant allele frequency, disease prevalence and penetrance estimates, and inheritance mode, an automated score was calculated to assess if this variant is too frequent to cause the disease. Based on the score and internal cut-off values, a variant classified as benign is not then subjected to further curation. The score for this variant resulted in a classification of benign for this disease.

GeneDx
Classification: Benign. Last evaluated: 2015-07-30. Review status: criteria provided, single submitter. Criteria: GeneDx Variant Classification (06012015). Collection method: clinical testing. Allele origin: germline. Affected: yes.
Comment: This variant is considered likely benign or benign based on one or more of the following criteria: it is a conservative change, it occurs at a poorly conserved position in the protein, it is predicted to be benign by multiple in silico algorithms, and/or has population frequency not consistent with disease.

Breakthrough Genomics
Classification: Benign. Review status: criteria provided, single submitter. Criteria: ACMG Guidelines, 2015. Collection method: not provided. Allele origin: germline. Inheritance: Autosomal recessive inheritance. Affected: yes.

PreventionGenetics, part of Exact Sciences
Classification: Benign. Review status: criteria provided, single submitter. Criteria: ACMG Guidelines, 2015. Collection method: clinical testing. Allele origin: germline.

Genetic Services Laboratory, University of Chicago
Classification: Likely benign for AllHighlyPenetrant. Review status: no assertion criteria provided. Collection method: clinical testing. Allele origin: germline. Inheritance: Autosomal recessive inheritance. Not counted in ClinVar's aggregate classification.
Comment: Likely benign based on allele frequency in 1000 Genomes Project or ESP global frequency and its presence in a patient with a rare or unrelated disease phenotype. NOT Sanger confirmed.

NM_019892.6(INPP5E):c.531C>A (p.Ala177=)

Gene: INPP5E (inositol polyphosphate-5-phosphatase E; minus strand). Cytogenetic location: 9q34.3.
Variant type: single nucleotide variant.
Coding change: c.531C>A on transcript NM_019892.6 (MANE Select); coding-DNA position 531, C replaced by A.
Protein change: p.Ala177=; no amino-acid change (alanine 177 retained).
Molecular consequence: synonymous variant.
Genome position (GRCh38, 1-based): chr9:136,438,889, G>T on the plus strand (C>A on the coding strand, the complement: INPP5E is on the minus strand). VCF-style: chr9-136438889-G-T. GRCh37 (hg19) VCF-style: chr9-139333341-G-T.
Other names: c.531C>A, p.Ala177= (NM_001318502.2).
Identifiers: ClinVar variation 129274 (VCV000129274.22), dbSNP rs58206296, ClinGen allele CA153171.